The following is an entry in ClinVar:

ClinVar aggregate classification (germline): Uncertain significance (1 of 4 stars; one submission).

Conditions:
Combined immunodeficiency due to DOCK8 deficiency (HIES2). Also called: HIES autosomal recessive; Hyper-IgE recurrent infection syndrome, autosomal recessive; DOCK8 Deficiency; HYPER-IgE RECURRENT INFECTION SYNDROME 2, AUTOSOMAL RECESSIVE; HYPER-IgE SYNDROME 2, AUTOSOMAL RECESSIVE, WITH RECURRENT INFECTIONS. Identifiers: Orphanet 217390, MedGen C4722305, MONDO:0009478, OMIM 243700.

Allele frequency attached by ClinVar (database versions not stated): ExAC 0.00001; gnomAD 0.00002; TOPMed 0.00002.

Submission:

Labcorp Genetics (formerly Invitae), Labcorp
Classification: Uncertain significance for Combined immunodeficiency due to DOCK8 deficiency. Last evaluated: 2021-06-24. Review status: criteria provided, single submitter. Criteria: Invitae Variant Classification Sherloc (09022015). Collection method: clinical testing. Allele origin: germline.
Comment: In summary, the available evidence is currently insufficient to determine the role of this variant in disease. Therefore, it has been classified as a Variant of Uncertain Significance. Algorithms developed to predict the effect of missense changes on protein structure and function are either unavailable or do not agree on the potential impact of this missense change (SIFT: "Tolerated"; PolyPhen-2: "Possibly Damaging"; Align-GVGD: "Class C0"). This variant has not been reported in the literature in individuals with DOCK8-related conditions. This variant is present in population databases (rs775828578, ExAC 0.002%). This sequence change replaces methionine with isoleucine at codon 1553 of the DOCK8 protein (p.Met1553Ile). The methionine residue is highly conserved and there is a small physicochemical difference between methionine and isoleucine.

NM_203447.4(DOCK8):c.4659G>A (p.Met1553Ile)

Gene: DOCK8 (dedicator of cytokinesis 8; plus strand). Cytogenetic location: 9p24.3.
Variant type: single nucleotide variant.
Coding change: c.4659G>A on transcript NM_203447.4 (MANE Select); coding-DNA position 4659, G replaced by A.
Protein change: p.Met1553Ile; replaces methionine 1553 with isoleucine.
Molecular consequence: missense variant.
Genome position (GRCh38, 1-based): chr9:432,198, G>A. VCF-style: chr9-432198-G-A. GRCh37 (hg19) VCF-style: chr9-432198-G-A.
Other names: c.4359G>A, p.Met1453Ile (NM_001190458.2); c.4455G>A, p.Met1485Ile (NM_001193536.2); short protein forms M1453I, M1485I, M1553I.
Identifiers: ClinVar variation 1008715 (VCV001008715.9), dbSNP rs775828578, ClinGen allele CA4959167.